The following is an entry in ClinVar:

ClinVar aggregate classification (germline): Likely pathogenic (1 of 4 stars; one submission).

Conditions:
Dilated cardiomyopathy 1G (CMD1G). Identifiers: Orphanet 154, MedGen C1858763, MONDO:0011400, OMIM 604145.
Autosomal recessive limb-girdle muscular dystrophy type 2J (LGMDR10). Also called: Limb-girdle muscular dystrophy, type 2J; MUSCULAR DYSTROPHY, LIMB-GIRDLE, AUTOSOMAL RECESSIVE 10. Identifiers: Orphanet 140922, MedGen C1837342, MONDO:0012127, OMIM 608807.

Submission:

Labcorp Genetics (formerly Invitae), Labcorp
Classification: Likely pathogenic for Dilated cardiomyopathy 1G; Autosomal recessive limb-girdle muscular dystrophy type 2J. Last evaluated: 2024-07-11. Review status: criteria provided, single submitter. Criteria: Invitae Variant Classification Sherloc (09022015). Collection method: clinical testing. Allele origin: germline.
Comment: This sequence change creates a premature translational stop signal (p.Arg13567Aspfs*3) in the TTN gene. While this is not anticipated to result in nonsense mediated decay, it is expected to create a truncated TTN protein. This variant is not present in population databases (gnomAD no frequency). This variant has not been reported in the literature in individuals affected with TTN-related conditions. ClinVar contains an entry for this variant (Variation ID: 1371451). This variant is located in the I band of TTN (PMID: 25589632). Truncating variants in this region have been reported in individuals affected with autosomal recessive centronuclear myopathy (PMID: 23975875, Invitae internal data). Truncating variants in this region have also been identified in individuals affected with autosomal dominant dilated cardiomyopathy and/or cardio-related conditions (PMID: 27869827, 32964742, Invitae internal data). In summary, the currently available evidence indicates that the variant is pathogenic, but additional data are needed to prove that conclusively. Therefore, this variant has been classified as Likely Pathogenic.

Literature cited by the submitters: PubMed 25589632; PubMed 23975875; PubMed 27869827; PubMed 32964742.

NM_001267550.2(TTN):c.40699_40703del (p.Arg13567fs)

Gene: TTN (titin; minus strand). Cytogenetic location: 2q31.2.
Variant type: Deletion.
Coding change: c.40699_40703del on transcript NM_001267550.2 (MANE Select); coding-DNA positions 40699 to 40703, 5 bases deleted (AGGAA; older notation c.40699_40703delAGGAA).
Protein change: p.Arg13567fs; shifts the reading frame from arginine 13567.
Molecular consequence: frameshift variant.
Genome position (GRCh38, 1-based): chr2:178,640,561-178,640,565, TTCCT deleted on the plus strand (AGGAA on the coding strand, the reverse complement: TTN is on the minus strand); deleting any 5 consecutive bases within chr2:178,640,561-178,640,569 gives the same sequence; the c. name uses the placement nearest the transcript's 3' end. VCF-style (leftmost placement, unchanged base first): chr2-178640560-CTTCCT-C. GRCh37 (hg19) VCF-style: chr2-179505287-CTTCCT-C.
Other names: c.35776_35780del, p.Arg11926fs (NM_001256850.1); c.13504_13508del, p.Arg4502fs (NM_003319.4); c.32995_32999del, p.Arg10999fs (NM_133378.4); c.13879_13883del, p.Arg4627fs (NM_133432.3); c.14080_14084del, p.Arg4694fs (NM_133437.4); short protein forms R4627fs, R11926fs, R10999fs, R13567fs, R4694fs, R4502fs.
Identifiers: ClinVar variation 1371451 (VCV001371451.6), dbSNP rs2154238027, ClinGen allele CA2573133890.